The following is an entry in ClinVar:

NM_000091.5(COL4A3):c.555_556insT (p.Gly186fs)

Genes: COL4A3 (collagen type IV alpha 3 chain; plus strand), MFF-DT (MFF divergent transcript; minus strand). Cytogenetic location: 2q36.3.
Variant type: Insertion.
Coding change: c.555_556insT on transcript NM_000091.5 (MANE Select); coding-DNA positions 555 to 556, T inserted.
Protein change: p.Gly186fs; shifts the reading frame from glycine 186.
Molecular consequence: frameshift variant.
Genome position: GRCh38 VCF-style: chr2-227251148-A-AT. GRCh37 (hg19) VCF-style: chr2-228115864-A-AT.
Other names: short protein forms G186fs.
Identifiers: ClinVar variation 5014690 (VCV005014690.1).

ClinVar aggregate classification (germline): Pathogenic (1 of 4 stars; one submission).

Conditions:
Alport syndrome. Also called: Hemorrhagic familial nephritis; Hemorrhagic hereditary nephritis; Congenital hereditary hematuria. Identifiers: Orphanet 63, MedGen C1567741, MONDO:0018965.

Submission:

Myriad Genetics, Inc.
Classification: Pathogenic for Alport syndrome. Last evaluated: 2025-07-05. Review status: criteria provided, single submitter. Criteria: Myriad Autosomal Dominant, Autosomal Recessive and X-Linked Classification Criteria (2023). Collection method: clinical testing. Allele origin: unknown.
Comment: NM_000091.4(COL4A3):c.555_556insT(G186Wfs*27) is expected to be pathogenic in the context of Alport syndrome, COL4A3-related. This variant is predicted to lead to an abnormal or absent protein product due to the creation of a premature termination codon in COL4A3, a gene where loss-of-function variants are known to be pathogenic. Please note: this variant was assessed in the context of healthy population screening.